The following is an entry in ClinVar:

NM_000548.5(TSC2):c.4460C>T (p.Ser1487Phe)

Gene: TSC2 (TSC complex subunit 2; plus strand). Cytogenetic location: 16p13.3.
Variant type: single nucleotide variant.
Coding change: c.4460C>T on transcript NM_000548.5 (MANE Select); coding-DNA position 4460, C replaced by T.
Protein change: p.Ser1487Phe; replaces serine 1487 with phenylalanine.
Molecular consequence: missense variant. On other transcripts: non-coding transcript variant (5).
Genome position (GRCh38, 1-based): chr16:2,084,682, C>T. VCF-style: chr16-2084682-C-T. GRCh37 (hg19) VCF-style: chr16-2134683-C-T.
Other names: c.4259C>T, p.Ser1420Phe (NM_001077183.3); c.4391C>T, p.Ser1464Phe (NM_001114382.3); c.4151C>T, p.Ser1384Phe (NM_001318827.2); c.4115C>T, p.Ser1372Phe (NM_001318829.2); c.3728C>T, p.Ser1243Phe (NM_001318831.2); c.4292C>T, p.Ser1431Phe (NM_001318832.2); c.4262C>T, p.Ser1421Phe (NM_001363528.2); c.4328C>T, p.Ser1443Phe (NM_001370404.1); and 26 more; short protein forms S1243F, S1287F, S1371F, S1372F, S1431F, S1451F, S1461F, S1464F.
Identifiers: ClinVar variation 2843983 (VCV002843983.6), dbSNP rs766916450, ClinGen allele CA394302457.

ClinVar aggregate classification (germline): Uncertain significance. Review status: criteria provided, multiple submitters, no conflicts (2 of 4 stars). 4 submissions from 4 submitters: Uncertain significance (4). Last evaluated 2024-05-04.

Conditions:
Hereditary cancer-predisposing syndrome. Also called: Hereditary Cancer Syndrome; Hereditary neoplastic syndrome; Neoplastic Syndromes, Hereditary; Tumor predisposition. Identifiers: Orphanet 140162, MedGen C0027672, MeSH D009386, MONDO:0015356.
Tuberous sclerosis 2 (TSC2). Identifiers: Orphanet 805, MedGen C1860707, MONDO:0013199, OMIM 613254.
Tuberous sclerosis syndrome (TSC). Also called: Tuberous Sclerosis Complex; Tuberous sclerosis. Identifiers: Orphanet 805, MedGen C0041341, MONDO:0001734.

Submissions (4):

Ambry Genetics
Classification: Uncertain significance for Hereditary cancer-predisposing syndrome. Last evaluated: 2024-05-04. Review status: criteria provided, single submitter. Criteria: Ambry Variant Classification Scheme 2023. Collection method: clinical testing. Allele origin: germline.
Comment: The p.S1487F variant (also known as c.4460C>T), located in coding exon 33 of the TSC2 gene, results from a C to T substitution at nucleotide position 4460. The serine at codon 1487 is replaced by phenylalanine, an amino acid with highly dissimilar properties. This amino acid position is conserved. In addition, the in silico prediction for this alteration is inconclusive. Based on the available evidence, the clinical significance of this variant remains unclear.

Labcorp Genetics (formerly Invitae), Labcorp
Classification: Uncertain significance for Tuberous sclerosis 2. Last evaluated: 2024-04-11. Review status: criteria provided, single submitter. Criteria: Invitae Variant Classification Sherloc (09022015). Collection method: clinical testing. Allele origin: germline.
Comment: This sequence change replaces serine, which is neutral and polar, with phenylalanine, which is neutral and non-polar, at codon 1487 of the TSC2 protein (p.Ser1487Phe). This variant is not present in population databases (gnomAD no frequency). This variant has not been reported in the literature in individuals affected with TSC2-related conditions. Advanced modeling of protein sequence and biophysical properties (such as structural, functional, and spatial information, amino acid conservation, physicochemical variation, residue mobility, and thermodynamic stability) performed at Invitae indicates that this missense variant is not expected to disrupt TSC2 protein function with a negative predictive value of 95%. In summary, the available evidence is currently insufficient to determine the role of this variant in disease. Therefore, it has been classified as a Variant of Uncertain Significance.

All of Us Research Program, National Institutes of Health
Classification: Uncertain significance for Tuberous sclerosis syndrome. Last evaluated: 2023-09-04. Review status: criteria provided, single submitter. Criteria: ACMG Guidelines, 2015. Collection method: clinical testing. Allele origin: germline. Inheritance: Autosomal dominant inheritance. Observed: 1 variant allele, 1 heterozygote.
Comment: This missense variant replaces serine with phenylalanine at codon 1487 of the TSC2 protein. Computational prediction suggests that this variant may not impact protein structure and function (internally defined REVEL score threshold <= 0.5, PMID: 27666373). To our knowledge, functional studies have not been reported for this variant. This variant has not been reported in individuals affected with TSC2-related disorders in the literature. This variant has not been identified in the general population by the Genome Aggregation Database (gnomAD). The available evidence is insufficient to determine the role of this variant in disease conclusively. Therefore, this variant is classified as a Variant of Uncertain Significance.

This study involves interpretation of variants in research participants for the purpose of population health screening. Participant phenotype was not available at the time of variant classification. Additional details can be found in publication PMID: 35346344, PMCID: PMC8962531

Color Diagnostics, LLC DBA Color Health
Classification: Uncertain significance for Tuberous sclerosis syndrome. Last evaluated: 2023-08-23. Review status: criteria provided, single submitter. Criteria: ACMG Guidelines, 2015. Collection method: clinical testing. Allele origin: germline.
Comment: This missense variant replaces serine with phenylalanine at codon 1487 of the TSC2 protein. Computational prediction suggests that this variant may not impact protein structure and function. To our knowledge, functional studies have not been reported for this variant. This variant has not been reported in individuals affected with TSC2-related disorders in the literature. This variant has not been identified in the general population by the Genome Aggregation Database (gnomAD). The available evidence is insufficient to determine the role of this variant in disease conclusively. Therefore, this variant is classified as a Variant of Uncertain Significance.